The following is an entry in ClinVar:

NM_001830.4(CLCN4):c.1506C>G (p.Asn502Lys)

Gene: CLCN4 (chloride voltage-gated channel 4; plus strand). Cytogenetic location: Xp22.2.
Variant type: single nucleotide variant.
Coding change: c.1506C>G on transcript NM_001830.4 (MANE Select); coding-DNA position 1506, C replaced by G.
Protein change: p.Asn502Lys; replaces asparagine 502 with lysine.
Molecular consequence: missense variant.
Genome position (GRCh38, 1-based): chrX:10,212,583, C>G. VCF-style: chrX-10212583-C-G. GRCh37 (hg19) VCF-style: chrX-10180623-C-G.
Other names: c.1224C>G, p.Asn408Lys (NM_001256944.2); short protein forms N408K, N502K.
Identifiers: ClinVar variation 1722377 (VCV001722377.6), dbSNP rs2518888046, ClinGen allele CA412041024.

ClinVar aggregate classification (germline): Uncertain significance. Review status: criteria provided, multiple submitters, no conflicts (2 of 4 stars). 2 submissions from 2 submitters: Uncertain significance (2). Last evaluated 2022-09-20.

Submissions (2):

Women's Health and Genetics/Laboratory Corporation of America, LabCorp
Classification: Uncertain significance. Last evaluated: 2022-09-20. Review status: criteria provided, single submitter. Criteria: LabCorp Variant Classification Summary - May 2015. Collection method: clinical testing. Allele origin: germline.
Comment: Variant summary: CLCN4 c.1506C>G (p.Asn502Lys) results in a non-conservative amino acid change in the encoded protein sequence. Three in-silico tools predict a benign effect of the variant on protein function. The variant was absent in 183275 control chromosomes (gnomAD). The available data on variant occurrences in the general population are insufficient to allow any conclusion about variant significance. To our knowledge, no occurrence of c.1506C>G in individuals affected with Raynaud-Claes Syndrome and no experimental evidence demonstrating its impact on protein function have been reported. No clinical diagnostic laboratories have submitted clinical-significance assessments for this variant to ClinVar after 2014. Based on the evidence outlined above, the variant was classified as uncertain significance.

Labcorp Genetics (formerly Invitae), Labcorp
Classification: Uncertain significance. Last evaluated: 2022-06-16. Review status: criteria provided, single submitter. Criteria: Invitae Variant Classification Sherloc (09022015). Collection method: clinical testing. Allele origin: germline.
Comment: Algorithms developed to predict the effect of missense changes on protein structure and function are either unavailable or do not agree on the potential impact of this missense change (SIFT: "Deleterious"; PolyPhen-2: "Benign"; Align-GVGD: "Class C0"). In summary, the available evidence is currently insufficient to determine the role of this variant in disease. Therefore, it has been classified as a Variant of Uncertain Significance. This variant has not been reported in the literature in individuals affected with CLCN4-related conditions. This variant is not present in population databases (gnomAD no frequency). This sequence change replaces asparagine, which is neutral and polar, with lysine, which is basic and polar, at codon 502 of the CLCN4 protein (p.Asn502Lys).